The following is an entry in ClinVar:

NM_006070.6(TFG):c.1148G>C (p.Arg383Pro)

Gene: TFG (trafficking from ER to golgi regulator; plus strand). Cytogenetic location: 3q12.2.
Variant type: single nucleotide variant.
Coding change: c.1148G>C on transcript NM_006070.6 (MANE Select); coding-DNA position 1148, G replaced by C.
Protein change: p.Arg383Pro; replaces arginine 383 with proline.
Molecular consequence: missense variant.
Genome position (GRCh38, 1-based): chr3:100,748,476, G>C. VCF-style: chr3-100748476-G-C. GRCh37 (hg19) VCF-style: chr3-100467320-G-C.
Other names: c.1148G>C, p.Arg383Pro (NM_001007565.2, NM_001195478.2); c.1136G>C, p.Arg379Pro (NM_001195479.2); short protein forms R379P, R383P.
Identifiers: ClinVar variation 5017532 (VCV005017532.1).

ClinVar aggregate classification (germline): Uncertain significance (1 of 4 stars; one submission).

gnomAD v4.1: 1 of 1,613,898 alleles (0.000062%); highest among the groups gnomAD compares: Non-Finnish European, 0.000085%; no homozygotes.

Submission:

GeneDx
Classification: Uncertain significance. Last evaluated: 2026-03-31. Review status: criteria provided, single submitter. Criteria: GeneDx Variant Classification Process June 2021. Collection method: clinical testing. Allele origin: germline.
Comment: Not observed at significant frequency in large population cohorts (gnomAD); In silico analysis suggests that this missense variant does not alter protein structure/function; Has not been previously published as pathogenic or benign to our knowledge